The following is an entry in ClinVar:

ClinVar aggregate classification (germline): Uncertain significance. Review status: criteria provided, multiple submitters, no conflicts (2 of 4 stars). 4 submissions from 4 submitters: Uncertain significance (4). Last evaluated 2024-09-23.

Conditions:
Arrhythmogenic right ventricular dysplasia 11. Also called: Arrhythmogenic Right Ventricular Dysplasia/Cardiomyopathy11; ARRHYTHMOGENIC RIGHT VENTRICULAR DYSPLASIA, FAMILIAL, 11; Arrhythmogenic right ventricular dysplasia 11 with mild palmoplantar keratoderma and woolly hair. Identifiers: MedGen C1864850, MONDO:0012506, OMIM 610476.
Familial isolated arrhythmogenic right ventricular dysplasia. Identifiers: Orphanet 217656, MedGen C4274968, MONDO:0016342.
Cardiomyopathy (CMYO). Also called: Cardiomyopathies. Identifiers: Orphanet 167848, MedGen C0878544, MONDO:0004994, HP:0001638. Inheritance: Various modes of inheritance.

Allele frequency attached by ClinVar (database versions not stated): gnomAD exomes 0.00001; ExAC 0.00002; TOPMed 0.00002.
gnomAD v4.1: 2 of 1,613,778 alleles (0.00012%); highest among the groups gnomAD compares: Admixed American, 0.0033%; no homozygotes.

Submissions (4):

All of Us Research Program, National Institutes of Health
Classification: Uncertain significance for Familial isolated arrhythmogenic right ventricular dysplasia. Last evaluated: 2024-09-23. Review status: criteria provided, single submitter. Criteria: ACMG Guidelines, 2015. Collection method: clinical testing. Allele origin: germline. Inheritance: Autosomal dominant inheritance. Observed: 6 variant alleles, 6 heterozygotes.
Comment: This missense variant replaces tyrosine with cysteine at codon 637 of the DSC2 protein. Computational prediction suggests that this variant may not impact protein structure and function (internally defined REVEL score threshold <= 0.5, PMID: 27666373). To our knowledge, functional studies have not been reported for this variant. This variant has not been reported in individuals affected with cardiovascular disorders in the literature. This variant has been identified in 3/250528 chromosomes in the general population by the Genome Aggregation Database (gnomAD). The available evidence is insufficient to determine the role of this variant in disease conclusively. Therefore, this variant is classified as a Variant of Uncertain Significance.

This study involves interpretation of variants in research participants for the purpose of population health screening. Participant phenotype was not available at the time of variant classification. Additional details can be found in publication PMID: 35346344, PMCID: PMC8962531

Color Diagnostics, LLC DBA Color Health
Classification: Uncertain significance for Cardiomyopathy. Last evaluated: 2024-03-06. Review status: criteria provided, single submitter. Criteria: ACMG Guidelines, 2015. Collection method: clinical testing. Allele origin: germline.
Comment: This missense variant replaces tyrosine with cysteine at codon 637 of the DSC2 protein. Computational prediction suggests that this variant may not impact protein structure and function (internally defined REVEL score threshold <= 0.5, PMID: 27666373). To our knowledge, functional studies have not been reported for this variant. This variant has not been reported in individuals affected with DSC2-related disorders in the literature. This variant has been identified in 3/250528 chromosomes in the general population by the Genome Aggregation Database (gnomAD). The available evidence is insufficient to determine the role of this variant in disease conclusively. Therefore, this variant is classified as a Variant of Uncertain Significance.

Labcorp Genetics (formerly Invitae), Labcorp
Classification: Uncertain significance for Arrhythmogenic right ventricular dysplasia 11. Last evaluated: 2023-09-06. Review status: criteria provided, single submitter. Criteria: Invitae Variant Classification Sherloc (09022015). Collection method: clinical testing. Allele origin: germline.
Comment: This sequence change replaces tyrosine, which is neutral and polar, with cysteine, which is neutral and slightly polar, at codon 637 of the DSC2 protein (p.Tyr637Cys). This variant is present in population databases (rs758990451, gnomAD 0.006%). This variant has not been reported in the literature in individuals affected with DSC2-related conditions. ClinVar contains an entry for this variant (Variation ID: 410655). Advanced modeling of protein sequence and biophysical properties (such as structural, functional, and spatial information, amino acid conservation, physicochemical variation, residue mobility, and thermodynamic stability) performed at Invitae indicates that this missense variant is not expected to disrupt DSC2 protein function. In summary, the available evidence is currently insufficient to determine the role of this variant in disease. Therefore, it has been classified as a Variant of Uncertain Significance.

Illumina Laboratory Services, Illumina
Classification: Uncertain significance for Arrhythmogenic right ventricular dysplasia 11. Last evaluated: 2018-01-12. Review status: criteria provided, single submitter. Criteria: ICSL Variant Classification Criteria 13 December 2019. Collection method: clinical testing. Allele origin: germline.

NM_024422.6(DSC2):c.1910A>G (p.Tyr637Cys)

Gene: DSC2 (desmocollin 2; minus strand). Cytogenetic location: 18q12.1.
Variant type: single nucleotide variant.
Coding change: c.1910A>G on transcript NM_024422.6 (MANE Select); coding-DNA position 1910, A replaced by G.
Protein change: p.Tyr637Cys; replaces tyrosine 637 with cysteine.
Molecular consequence: missense variant.
Genome position (GRCh38, 1-based): chr18:31,071,820, T>C on the plus strand (A>G on the coding strand, the complement: DSC2 is on the minus strand). VCF-style: chr18-31071820-T-C. GRCh37 (hg19) VCF-style: chr18-28651786-T-C.
Other names: c.1910A>G, p.Tyr637Cys (NM_004949.5); short protein forms Y637C.
Identifiers: ClinVar variation 410655 (VCV000410655.21), dbSNP rs758990451, ClinGen allele CA033873.